The following is an entry in ClinVar:

NM_024426.6(WT1):c.641A>C (p.Gln214Pro)

Genes: WT1 (WT1 transcription factor; minus strand), LOC107982234 (WT1/WT1-AS bi-directional promoter region; plus strand). Cytogenetic location: 11p13.
Variant type: single nucleotide variant.
Coding change: c.641A>C on transcript NM_024426.6 (MANE Select); coding-DNA position 641, A replaced by C.
Protein change: p.Gln214Pro; replaces glutamine 214 with proline.
Molecular consequence: missense variant. On other transcripts: non-coding transcript variant (1).
Genome position (GRCh38, 1-based): chr11:32,434,720, T>G on the plus strand (A>C on the coding strand, the complement: WT1 is on the minus strand). VCF-style: chr11-32434720-T-G. GRCh37 (hg19) VCF-style: chr11-32456266-T-G.
Other names: c.641A>C, p.Gln214Pro (NM_000378.6, NM_024424.5); short protein forms Q214P.
Identifiers: ClinVar variation 577219 (VCV000577219.13), dbSNP rs771024882, ClinGen allele CA065155.

ClinVar aggregate classification (germline): Uncertain significance. Review status: criteria provided, multiple submitters, no conflicts (2 of 4 stars). 7 submissions from 7 submitters: Uncertain significance (7). Last evaluated 2025-02-22.

Conditions:
Drash syndrome (DDS). Also called: NEPHROPATHY, WILMS TUMOR, AND GENITAL ANOMALIES; WILMS TUMOR AND PSEUDO- OR TRUE HERMAPHRODITISM. Identifiers: Orphanet 220, MedGen C0950121, MONDO:0008682, OMIM 194080.
Frasier syndrome. Identifiers: Orphanet 347, MedGen C0950122, MeSH D052159, MONDO:0007635, OMIM 136680.
Wilms tumor 1 (WT1). Also called: Wilms tumor, somatic. Identifiers: Orphanet 654, MedGen CN033288, MONDO:0008679, OMIM 194070.
11p partial monosomy syndrome (WAGR). Also called: CHROMOSOME 11p13 DELETION SYNDROME; WAGR Spectrum Disorder; WAGR Complex; WAGR syndrome. Identifiers: Orphanet 893, MedGen C0206115, MONDO:0008681, OMIM 194072.
WT1-related disorder. Also called: WT1-related disorders. Identifiers: MedGen CN377814.
Inborn genetic diseases. Identifiers: MedGen C0950123, MeSH D030342.
Nephrotic syndrome, type 4 (NPHS4). Also called: Familial mesangial sclerosis; Nephrotic syndrome, early onset with diffuse mesangial sclerosis. Identifiers: Orphanet 656, MedGen C3151568, MONDO:0009733, OMIM 256370.
Mesothelioma, malignant (MESOM). Also called: Malignant mesothelioma (disease). Identifiers: Orphanet 50251, MedGen C0345967, MONDO:0006292, OMIM 156240, HP:0100001.
Meacham syndrome. Also called: Meacham Winn Culler syndrome. Identifiers: Orphanet 3097, MedGen C1837026, MONDO:0012164, OMIM 608978.

Allele frequency attached by ClinVar (database versions not stated): gnomAD exomes below 0.00001 and 0.00001; ExAC 0.00001; gnomAD 0.00001; TOPMed 0.00001.
gnomAD v4.1: 15 of 1,612,878 alleles (0.00093%); highest among the groups gnomAD compares: African/African-American, 0.0013%; no homozygotes.

Submissions (7):

PreventionGenetics, part of Exact Sciences
Classification: Uncertain significance for WT1-related condition. Last evaluated: 2025-02-22. Review status: criteria provided, single submitter. Criteria: ACMG Guidelines, 2015. Collection method: clinical testing. Allele origin: germline.
Comment: The WT1 c.626A>C variant is predicted to result in the amino acid substitution p.Gln209Pro. To our knowledge, this variant has not been reported in the literature. This variant is reported in 0.0065% of alleles in individuals of African descent in gnomAD. This variant is interpreted as uncertain in ClinVar. At this time, the clinical significance of this variant is uncertain due to the absence of conclusive functional and genetic evidence.

Ambry Genetics
Classification: Uncertain significance for Inborn genetic diseases. Last evaluated: 2024-12-20. Review status: criteria provided, single submitter. Criteria: Ambry Variant Classification Scheme 2023. Collection method: clinical testing. Allele origin: germline.
Comment: The p.Q209P variant (also known as c.626A>C), located in coding exon 1 of the WT1 gene, results from an A to C substitution at nucleotide position 626. The glutamine at codon 209 is replaced by proline, an amino acid with similar properties. This amino acid position is conserved. In addition, this alteration is predicted to be tolerated by in silico analysis. Based on the available evidence, the clinical significance of this variant remains unclear.

Fulgent Genetics
Classification: Uncertain significance for Frasier syndrome; Mesothelioma, malignant; Wilms tumor 1; Drash syndrome; Nephrotic syndrome, type 4; Meacham syndrome. Last evaluated: 2023-12-28. Review status: criteria provided, single submitter. Criteria: ACMG Guidelines, 2015. Collection method: clinical testing. Allele origin: germline.

All of Us Research Program, National Institutes of Health
Classification: Uncertain significance for Wilms tumor 1. Last evaluated: 2023-11-30. Review status: criteria provided, single submitter. Criteria: ACMG Guidelines, 2015. Collection method: clinical testing. Allele origin: germline. Inheritance: Autosomal dominant inheritance. Observed: 1 variant allele, 1 heterozygote.
Comment: This study involves interpretation of variants in research participants for the purpose of population health screening. Participant phenotype was not available at the time of variant classification. Additional details can be found in publication PMID: 35346344, PMCID: PMC8962531

Labcorp Genetics (formerly Invitae), Labcorp
Classification: Uncertain significance for Wilms tumor 1; Drash syndrome; 11p partial monosomy syndrome; Frasier syndrome. Last evaluated: 2023-10-22. Review status: criteria provided, single submitter. Criteria: Invitae Variant Classification Sherloc (09022015). Collection method: clinical testing. Allele origin: germline.
Comment: This sequence change replaces glutamine, which is neutral and polar, with proline, which is neutral and non-polar, at codon 209 of the WT1 protein (p.Gln209Pro). This variant is present in population databases (rs771024882, gnomAD 0.007%). This variant has not been reported in the literature in individuals affected with WT1-related conditions. ClinVar contains an entry for this variant (Variation ID: 577219). An algorithm developed to predict the effect of missense changes on protein structure and function (PolyPhen-2) suggests that this variant¬†is likely to be tolerated. In summary, the available evidence is currently insufficient to determine the role of this variant in disease. Therefore, it has been classified as a Variant of Uncertain Significance.

Baylor Genetics
Classification: Uncertain significance for Drash syndrome. Last evaluated: 2023-05-18. Review status: criteria provided, single submitter. Criteria: ACMG Guidelines, 2015. Collection method: clinical testing. Allele origin: unknown.

Blueprint Genetics
Classification: Uncertain significance. Last evaluated: 2021-06-16. Review status: criteria provided, single submitter. Criteria: ACMG Guidelines, 2015. Collection method: clinical testing. Allele origin: germline.